The following is an entry in ClinVar:

ClinVar aggregate classification (germline): Uncertain significance (1 of 4 stars; one submission).

Allele frequency attached by ClinVar (database versions not stated): gnomAD exomes below 0.00001.
gnomAD v4.1: 1 of 1,613,010 alleles (0.000062%); highest among the groups gnomAD compares: Admixed American, 0.0017%; no homozygotes.

Submission:

Labcorp Genetics (formerly Invitae), Labcorp
Classification: Uncertain significance. Last evaluated: 2024-05-06. Review status: criteria provided, single submitter. Criteria: Invitae Variant Classification Sherloc (09022015). Collection method: clinical testing. Allele origin: germline.
Comment: This sequence change creates a premature translational stop signal (p.Glu564*) in the CFHR5 gene. While this is not anticipated to result in nonsense mediated decay, it is expected to disrupt the last 6 amino acid(s) of the CFHR5 protein. This variant is not present in population databases (gnomAD no frequency). This variant has not been reported in the literature in individuals affected with CFHR5-related conditions. ClinVar contains an entry for this variant (Variation ID: 1973214). Experimental studies and prediction algorithms are not available or were not evaluated, and the functional significance of this variant is currently unknown. In summary, the available evidence is currently insufficient to determine the role of this variant in disease. Therefore, it has been classified as a Variant of Uncertain Significance.

NM_030787.4(CFHR5):c.1690G>T (p.Glu564Ter)

Gene: CFHR5 (complement factor H related 5; plus strand). Cytogenetic location: 1q31.3.
Variant type: single nucleotide variant.
Coding change: c.1690G>T on transcript NM_030787.4 (MANE Select); coding-DNA position 1690, G replaced by T.
Protein change: p.Glu564Ter; replaces glutamic acid 564 with a stop codon.
Molecular consequence: nonsense.
Genome position (GRCh38, 1-based): chr1:197,008,663, G>T. VCF-style: chr1-197008663-G-T. GRCh37 (hg19) VCF-style: chr1-196977793-G-T.
Other names: short protein forms E564*.
Identifiers: ClinVar variation 1973214 (VCV001973214.5), dbSNP rs2526988715, ClinGen allele CA343985808.